The following is an entry in ClinVar:

NM_001355263.2(NUTM2E):c.1370C>A (p.Ala457Asp)

Gene: NUTM2E (NUT family member 2E; plus strand). Cytogenetic location: 10q22.3.
Variant type: single nucleotide variant.
Coding change: c.1370C>A on transcript NM_001355263.2 (MANE Select); coding-DNA position 1370, C replaced by A.
Protein change: p.Ala457Asp; replaces alanine 457 with aspartic acid.
Molecular consequence: missense variant.
Genome position (GRCh38, 1-based): chr10:79,848,531, C>A. VCF-style: chr10-79848531-C-A. GRCh37 (hg19) VCF-style: chr10-81608287-C-A.
Other names: short protein forms A457D.
Identifiers: ClinVar variation 2640648 (VCV002640648.24), dbSNP rs531076919, ClinGen allele CA5574859.

ClinVar aggregate classification (germline): Likely benign (1 of 4 stars; one submission).

Allele frequency attached by ClinVar (database versions not stated): 1000 Genomes Project 30x 0.00078; 1000 Genomes Project 0.00080; ExAC 0.00044.

Submission:

CeGaT Center for Human Genetics Tuebingen
Classification: Likely benign. Last evaluated: 2022-12-01. Review status: criteria provided, single submitter. Criteria: CeGaT Center For Human Genetics Tuebingen Variant Classification Criteria Version 2. Collection method: clinical testing. Allele origin: germline. Affected: yes. Observed: 1 variant allele.
Comment: NUTM2E: BP4, BS2